The following is an entry in ClinVar:

ClinVar aggregate classification (germline): Uncertain significance (1 of 4 stars; one submission).

Allele frequency attached by ClinVar (database versions not stated): TOPMed below 0.00001; gnomAD 0.00001.
gnomAD v4.1: 1 of 1,135,678 alleles (0.000088%); highest among the groups gnomAD compares: Admixed American, 0.002%; no homozygotes.

Submission:

GeneDx
Classification: Uncertain significance. Last evaluated: 2023-02-03. Review status: criteria provided, single submitter. Criteria: GeneDx Variant Classification Process June 2021. Collection method: clinical testing. Allele origin: germline. Affected: yes.
Comment: Has not been previously published as pathogenic or benign to our knowledge; No data available from ethnically-matched control populations to assess the frequency of this variant; In silico analysis is inconclusive as to whether the variant alters gene splicing. In the absence of RNA/functional studies, the actual effect of this sequence change is unknown.; Reported using an alternate transcript of the gene

NM_001347721.2(DYRK1A):c.-76-13T>A

Gene: DYRK1A (dual specificity tyrosine phosphorylation regulated kinase 1A; plus strand). Cytogenetic location: 21q22.13.
Variant type: single nucleotide variant.
Coding change: c.-76-13T>A on transcript NM_001347721.2 (MANE Select); 13 bases into the intron before 76 bases upstream of the start codon, T replaced by A.
Molecular consequence: intron variant. On other transcripts: 5 prime UTR variant (1).
Genome position (GRCh38, 1-based): chr21:37,420,286, T>A. VCF-style: chr21-37420286-T-A. GRCh37 (hg19) VCF-style: chr21-38792588-T-A.
Other names: c.-89T>A (NM_130436.2); c.-76-13T>A (NM_001396.5, NM_001347722.2, NM_101395.2); c.-77-52398T>A (NM_001347723.2).
Identifiers: ClinVar variation 2575026 (VCV002575026.1), dbSNP rs2050440442, ClinGen allele CA1022220539.